The following is an entry in ClinVar:

ClinVar aggregate classification (germline): Uncertain significance. Review status: criteria provided, multiple submitters, no conflicts (2 of 4 stars). 2 submissions from 2 submitters: Uncertain significance (2). Last evaluated 2024-10-10.

Conditions:
Hereditary nonpolyposis colorectal neoplasms. Identifiers: MedGen C0009405, MeSH D003123.
Hereditary cancer-predisposing syndrome. Also called: Hereditary Cancer Syndrome; Hereditary neoplastic syndrome; Tumor predisposition; Neoplastic Syndromes, Hereditary. Identifiers: Orphanet 140162, MedGen C0027672, MeSH D009386, MONDO:0015356.

Submissions (2):

Labcorp Genetics (formerly Invitae), Labcorp
Classification: Uncertain significance for Hereditary nonpolyposis colorectal neoplasms. Last evaluated: 2024-10-10. Review status: criteria provided, single submitter. Criteria: Invitae Variant Classification Sherloc (09022015). Collection method: clinical testing. Allele origin: germline.
Comment: This sequence change replaces aspartic acid, which is acidic and polar, with phenylalanine, which is neutral and non-polar, at codon 793 of the MSH6 protein (p.Asp793Phe). Information on the frequency of this variant in the gnomAD database is not available, as this variant may be reported differently in the database. This variant has not been reported in the literature in individuals affected with MSH6-related conditions. ClinVar contains an entry for this variant (Variation ID: 1790367). An algorithm developed to predict the effect of missense changes on protein structure and function (PolyPhen-2) suggests that this variant is likely to be disruptive. In summary, the available evidence is currently insufficient to determine the role of this variant in disease. Therefore, it has been classified as a Variant of Uncertain Significance.

Ambry Genetics
Classification: Uncertain significance for Hereditary cancer-predisposing syndrome. Last evaluated: 2021-01-25. Review status: criteria provided, single submitter. Criteria: Ambry Variant Classification Scheme 2023. Collection method: clinical testing. Allele origin: germline.
Comment: The c.2377_2378delGAinsTT variant (also known as p.D793F), located in coding exon 4 of the MSH6 gene, results from an in-frame deletion of GA and insertion of TT at nucleotide positions 2377 to 2378. This results in the substitution of the aspartic acid residue for a phenylalanine residue at codon 793, an amino acid with highly dissimilar properties. This amino acid position is well conserved in available vertebrate species. In addition, this alteration is predicted to be deleterious by in silico analysis (Choi Y et al. PLoS ONE. 2012; 7(10):e46688). Since supporting evidence is limited at this time, the clinical significance of this alteration remains unclear.

NM_000179.3(MSH6):c.2377_2378delinsTT (p.Asp793Phe)

Gene: MSH6 (mutS homolog 6; plus strand). Cytogenetic location: 2p16.3.
Variant type: Indel.
Coding change: c.2377_2378delinsTT on transcript NM_000179.3 (MANE Select); coding-DNA positions 2377 to 2378, GA replaced by TT.
Protein change: p.Asp793Phe; replaces aspartic acid 793 with phenylalanine.
Molecular consequence: missense variant.
Genome position (GRCh38, 1-based): chr2:47,800,360-47,800,361, GA replaced by TT. VCF-style: chr2-47800360-GA-TT. GRCh37 (hg19) VCF-style: chr2-48027499-GA-TT.
Other names: c.1987_1988delinsTT, p.Asp663Phe (NM_001281492.2); c.1471_1472delinsTT, p.Asp491Phe (NM_001281493.2, NM_001281494.2); c.2473_2474delGAinsTT, p.Asp825Phe (NM_001406795.1, NM_001406802.1); c.2377_2378delGAinsTT, p.Asp793Phe (NM_001406796.1, NM_001406798.1, NM_001406800.1 and 2 more transcripts); c.2080_2081delGAinsTT, p.Asp694Phe (NM_001406797.1, NM_001406801.1, NM_001406805.1 and 10 more transcripts); c.1852_1853delGAinsTT, p.Asp618Phe (NM_001406799.1, NM_001406806.1, NM_001406807.1); c.2299_2300delGAinsTT, p.Asp767Phe (NM_001406804.1); c.1471_1472delGAinsTT, p.Asp491Phe (NM_001406811.1, NM_001406812.1, NM_001406814.1 and 4 more transcripts); and 2 more; short protein forms D618F, D663F, D737F, D825F, D491F, D694F, D767F, D793F.
Identifiers: ClinVar variation 1790367 (VCV001790367.4), dbSNP rs2530668414, ClinGen allele CA2580067841.